The following is an entry in ClinVar:

NM_033100.4(CDHR1):c.1305del (p.Val436fs)

Gene: CDHR1 (cadherin related family member 1; plus strand). Cytogenetic location: 10q23.1.
Variant type: Deletion.
Coding change: c.1305del on transcript NM_033100.4 (MANE Select); coding-DNA position 1305, one base deleted (A; older notation c.1305delA).
Protein change: p.Val436fs; shifts the reading frame from valine 436.
Molecular consequence: frameshift variant.
Genome position (GRCh38, 1-based): chr10:84,208,866, A deleted; the last of 3 consecutive A bases (chr10:84,208,864-84,208,866); deleting any one gives the same sequence. VCF-style (leftmost placement, unchanged base first): chr10-84208863-CA-C. GRCh37 (hg19) VCF-style: chr10-85968619-CA-C.
Other names: c.1305del, p.Val436fs (NM_001171971.3); short protein forms V436fs.
Identifiers: ClinVar variation 2030498 (VCV002030498.4), dbSNP rs2492523185, ClinGen allele CA2580082334.

ClinVar aggregate classification (germline): Pathogenic (1 of 4 stars; one submission).

Submission:

Labcorp Genetics (formerly Invitae), Labcorp
Classification: Pathogenic. Last evaluated: 2022-09-14. Review status: criteria provided, single submitter. Criteria: Invitae Variant Classification Sherloc (09022015). Collection method: clinical testing. Allele origin: germline.
Comment: For these reasons, this variant has been classified as Pathogenic. This variant has not been reported in the literature in individuals affected with CDHR1-related conditions. This sequence change creates a premature translational stop signal (p.Val436Tyrfs*2) in the CDHR1 gene. It is expected to result in an absent or disrupted protein product. Loss-of-function variants in CDHR1 are known to be pathogenic (PMID: 23044944, 23591405, 26103963, 26261414). This variant is not present in population databases (gnomAD no frequency).

Literature cited by the submitters: PubMed 23044944; PubMed 23591405; PubMed 26103963; PubMed 26261414.